The following is an entry in ClinVar:

NM_001290060.2(SEMA3B):c.1986G>C (p.Val662=)

Gene: SEMA3B (semaphorin 3B; plus strand). Cytogenetic location: 3p21.31.
Variant type: single nucleotide variant.
Coding change: c.1986G>C on transcript NM_001290060.2 (MANE Select); coding-DNA position 1986, G replaced by C.
Protein change: p.Val662=; no amino-acid change (valine 662 retained).
Molecular consequence: synonymous variant. On other transcripts: non-coding transcript variant (1).
Genome position (GRCh38, 1-based): chr3:50,276,442, G>C. VCF-style: chr3-50276442-G-C. GRCh37 (hg19) VCF-style: chr3-50313873-G-C.
Other names: c.1983G>C, p.Val661= (NM_001005914.3, NM_001435957.1, NM_001435958.1); c.2001G>C, p.Val667= (NM_001290061.1); c.957G>C, p.Val319= (NM_001290062.2, NM_001290063.2); c.1986G>C, p.Val662= (NM_001435956.1, NM_004636.4).
Identifiers: ClinVar variation 4999619 (VCV004999619.1).

ClinVar aggregate classification (germline): Likely benign (1 of 4 stars; one submission).

Conditions:
SEMA3B-related disorder. Also called: SEMA3B-related condition.

Submission:

PreventionGenetics, part of Exact Sciences
Classification: Likely benign for SEMA3B-related condition. Last evaluated: 2025-11-21. Review status: criteria provided, single submitter. Criteria: ACMG Guidelines, 2015. Collection method: clinical testing. Allele origin: germline.
Comment: This variant is classified as likely benign based on ACMG/AMP sequence variant interpretation guidelines (Richards et al. 2015 PMID: 25741868, with internal and published modifications).